The following is an entry in ClinVar:

NM_024675.4(PALB2):c.1858G>C (p.Gly620Arg)

Gene: PALB2 (partner and localizer of BRCA2; minus strand). Cytogenetic location: 16p12.2.
Variant type: single nucleotide variant.
Coding change: c.1858G>C on transcript NM_024675.4 (MANE Select); coding-DNA position 1858, G replaced by C.
Protein change: p.Gly620Arg; replaces glycine 620 with arginine.
Molecular consequence: missense variant.
Genome position (GRCh38, 1-based): chr16:23,630,296, C>G on the plus strand (G>C on the coding strand, the complement: PALB2 is on the minus strand). VCF-style: chr16-23630296-C-G. GRCh37 (hg19) VCF-style: chr16-23641617-C-G.
Other names: short protein forms G620R.
Identifiers: ClinVar variation 460913 (VCV000460913.13), dbSNP rs777940379, ClinGen allele CA7963655.
Genomic context (GRCh38, chr16:23,630,296, plus strand): 5'-ACTCAAAGGGCTCCACTGGTTTTTCTGAGCAGGACTTCACTTTTTCAAGCTTAAGAGGTC[C>G]AAAGTCTTCATCAGGTAACTGAAAGTCTGTGATACTGAGAAAAGACAGTAGTTGCTTTAA-3'
Protein context (NP_078951.2, residues 610-630): TDFQLPDEDF[Gly620Arg]PLKLEKVKSC

ClinVar aggregate classification (germline): Uncertain significance. Review status: criteria provided, multiple submitters, no conflicts (2 of 4 stars). 3 submissions from 3 submitters: Uncertain significance (3). Last evaluated 2026-01-26.

Conditions:
Hereditary cancer-predisposing syndrome. Also called: Neoplastic Syndromes, Hereditary; Hereditary Cancer Syndrome; Hereditary neoplastic syndrome; Tumor predisposition. Identifiers: Orphanet 140162, MedGen C0027672, MeSH D009386, MONDO:0015356.
Familial cancer of breast. Also called: BREAST CANCER, FAMILIAL; Hereditary breast cancer; hereditary breast carcinoma. Identifiers: Orphanet 227535, MedGen C0346153, MONDO:0016419, OMIM 114480. Disease mechanism: loss of function.

Allele frequency attached by ClinVar (database versions not stated): gnomAD exomes below 0.00001 and 0.00001; ExAC 0.00001.
gnomAD v4.1: 5 of 1,614,120 alleles (0.00031%); highest among the groups gnomAD compares: South Asian, 0.0055%; no homozygotes.

Submissions (3):

Labcorp Genetics (formerly Invitae), Labcorp
Classification: Uncertain significance for Familial cancer of breast. Last evaluated: 2026-01-26. Review status: criteria provided, single submitter. Criteria: Invitae Variant Classification Sherloc (09022015). Collection method: clinical testing. Allele origin: germline.
Comment: This sequence change replaces glycine, which is neutral and non-polar, with arginine, which is basic and polar, at codon 620 of the PALB2 protein (p.Gly620Arg). This variant is present in population databases (rs777940379, gnomAD 0.006%). This variant has not been reported in the literature in individuals affected with PALB2-related conditions. ClinVar contains an entry for this variant (Variation ID: 460913). Invitae Evidence Modeling of protein sequence and biophysical properties (such as structural, functional, and spatial information, amino acid conservation, physicochemical variation, residue mobility, and thermodynamic stability) indicates that this missense variant is expected to disrupt PALB2 protein function with a positive predictive value of 80%. In summary, the available evidence is currently insufficient to determine the role of this variant in disease. Therefore, it has been classified as a Variant of Uncertain Significance.

Ambry Genetics
Classification: Uncertain significance for Hereditary cancer-predisposing syndrome. Last evaluated: 2023-12-18. Review status: criteria provided, single submitter. Criteria: Ambry Variant Classification Scheme 2023. Collection method: clinical testing. Allele origin: germline.
Comment: The p.G620R variant (also known as c.1858G>C), located in coding exon 5 of the PALB2 gene, results from a G to C substitution at nucleotide position 1858. The glycine at codon 620 is replaced by arginine, an amino acid with dissimilar properties. This amino acid position is conserved. In addition, the in silico prediction for this alteration is inconclusive. Since supporting evidence is limited at this time, the clinical significance of this alteration remains unclear.

GeneDx
Classification: Uncertain significance. Last evaluated: 2019-06-06. Review status: criteria provided, single submitter. Criteria: GeneDx Variant Classification Process June 2021. Collection method: clinical testing. Allele origin: germline. Affected: yes.
Comment: Not observed at a significant frequency in large population cohorts (Lek et al., 2016); In silico analysis, which includes protein predictors and evolutionary conservation, supports a deleterious effect; Has not been previously published as pathogenic or benign to our knowledge